The following is an entry in ClinVar:

ClinVar aggregate classification (germline): Uncertain significance (1 of 4 stars; one submission).

Conditions:
Intellectual disability-severe speech delay-mild dysmorphism syndrome (IDDLA). Also called: Mental retardation with language impairment and autistic features; FOXP1 Syndrome; Intellectual developmental disorder with language impairment AND with or without autistic features. Identifiers: Orphanet 391372, MedGen C4013764, MONDO:0013352, OMIM 613670.

Submission:

Juno Genomics, Hangzhou Juno Genomics, Inc
Classification: Uncertain significance for Intellectual disability-severe speech delay-mild dysmorphism syndrome. Review status: criteria provided, single submitter. Criteria: ACMG Guidelines, 2015. Collection method: clinical testing. Allele origin: germline.
Comment: Absent from controls (or at extremely low frequency if recessive) in Genome Aggregation Database.;Multiple lines of computational evidence support a deleterious effect on the gene or gene product.

NM_001349338.3(FOXP1):c.1723-14T>A

Gene: FOXP1 (forkhead box P1; minus strand). Cytogenetic location: 3p13.
Variant type: single nucleotide variant.
Coding change: c.1723-14T>A on transcript NM_001349338.3 (MANE Select); 14 bases into the intron before coding-DNA position 1723, T replaced by A.
Molecular consequence: intron variant.
Genome position (GRCh38, 1-based): chr3:70,966,070, A>T on the plus strand (T>A on the coding strand, the complement: FOXP1 is on the minus strand). VCF-style: chr3-70966070-A-T. GRCh37 (hg19) VCF-style: chr3-71015221-A-T.
Other names: c.1771-14T>A (NM_001244810.2); c.1723-14T>A (NM_032682.6, NM_001349340.3, NM_001244816.2 and 1 more transcripts); c.1720-14T>A (NM_001349341.3, NM_001244808.3); c.1495-14T>A (NM_001244812.3); c.1420-14T>A (NM_001349343.3, NM_001349337.2, NM_001370548.1 and 1 more transcripts); c.1423-14T>A (NM_001349342.3, NM_001244815.2, NM_001244813.3).
Identifiers: ClinVar variation 5019990 (VCV005019990.2).